The following is an entry in ClinVar:

NM_002497.4(NEK2):c.362C>A (p.Thr121Asn)

Gene: NEK2 (NIMA related kinase 2; minus strand). Cytogenetic location: 1q32.3.
Variant type: single nucleotide variant.
Coding change: c.362C>A on transcript NM_002497.4 (MANE Select); coding-DNA position 362, C replaced by A.
Protein change: p.Thr121Asn; replaces threonine 121 with asparagine.
Molecular consequence: missense variant.
Genome position (GRCh38, 1-based): chr1:211,673,676, G>T on the plus strand (C>A on the coding strand, the complement: NEK2 is on the minus strand). VCF-style: chr1-211673676-G-T. GRCh37 (hg19) VCF-style: chr1-211847018-G-T.
Other names: c.362C>A, p.Thr121Asn (NM_001204182.2, NM_001204183.2); short protein forms T121N.
Identifiers: ClinVar variation 4732915 (VCV004732915.1).

ClinVar aggregate classification (germline): Uncertain significance (1 of 4 stars; one submission).

Submission:

Labcorp Genetics (formerly Invitae), Labcorp
Classification: Uncertain significance. Last evaluated: 2025-12-10. Review status: criteria provided, single submitter. Criteria: Invitae Variant Classification Sherloc (09022015). Collection method: clinical testing. Allele origin: germline.
Comment: This sequence change replaces threonine, which is neutral and polar, with asparagine, which is neutral and polar, at codon 121 of the NEK2 protein (p.Thr121Asn). This variant is not present in population databases (gnomAD no frequency). This variant has not been reported in the literature in individuals affected with NEK2-related conditions. An algorithm developed to predict the effect of missense changes on protein structure and function (PolyPhen-2) suggests that this variant is likely to be disruptive. In summary, the available evidence is currently insufficient to determine the role of this variant in disease. Therefore, it has been classified as a Variant of Uncertain Significance.